The following is an entry in ClinVar:

NM_001040108.2(MLH3):c.2422A>G (p.Thr808Ala)

Gene: MLH3 (mutL homolog 3; minus strand). Cytogenetic location: 14q24.3.
Variant type: single nucleotide variant.
Coding change: c.2422A>G on transcript NM_001040108.2 (MANE Select); coding-DNA position 2422, A replaced by G.
Protein change: p.Thr808Ala; replaces threonine 808 with alanine.
Molecular consequence: missense variant.
Genome position (GRCh38, 1-based): chr14:75,047,234, T>C on the plus strand (A>G on the coding strand, the complement: MLH3 is on the minus strand). VCF-style: chr14-75047234-T-C. GRCh37 (hg19) VCF-style: chr14-75513937-T-C.
Other names: c.2422A>G, p.Thr808Ala (NM_014381.3); short protein forms T808A.
Identifiers: ClinVar variation 1400271 (VCV001400271.7), dbSNP rs1892304501, ClinGen allele CA390440612.

ClinVar aggregate classification (germline): Uncertain significance. Review status: criteria provided, multiple submitters, no conflicts (2 of 4 stars). 2 submissions from 2 submitters: Uncertain significance (2). Last evaluated 2023-12-29.

Conditions:
Colorectal cancer, hereditary nonpolyposis, type 7. Identifiers: Orphanet 144, MedGen C1858380, MONDO:0013725, OMIM 614385.

gnomAD v4.1: 1 of 1,614,168 alleles (0.000062%); no homozygotes.

Submissions (2):

Ambry Genetics
Classification: Uncertain significance. Last evaluated: 2023-12-29. Review status: criteria provided, single submitter. Criteria: Ambry Variant Classification Scheme 2023. Collection method: clinical testing. Allele origin: germline.
Comment: The p.T808A variant (also known as c.2422A>G), located in coding exon 1 of the MLH3 gene, results from an A to G substitution at nucleotide position 2422. The threonine at codon 808 is replaced by alanine, an amino acid with similar properties. This amino acid position is conserved. In addition, this alteration is predicted to be tolerated by in silico analysis. Since supporting evidence is limited at this time, the clinical significance of this alteration remains unclear.

Labcorp Genetics (formerly Invitae), Labcorp
Classification: Uncertain significance for Colorectal cancer, hereditary nonpolyposis, type 7. Last evaluated: 2021-08-28. Review status: criteria provided, single submitter. Criteria: Invitae Variant Classification Sherloc (09022015). Collection method: clinical testing. Allele origin: germline.
Comment: This sequence change replaces threonine with alanine at codon 808 of the MLH3 protein (p.Thr808Ala). The threonine residue is weakly conserved and there is a small physicochemical difference between threonine and alanine. This variant is not present in population databases (ExAC no frequency). This variant has not been reported in the literature in individuals affected with MLH3-related conditions. Algorithms developed to predict the effect of missense changes on protein structure and function output the following: SIFT: "Tolerated"; PolyPhen-2: "Benign"; Align-GVGD: "Class C0". The alanine amino acid residue is found in multiple mammalian species, which suggests that this missense change does not adversely affect protein function. In summary, the available evidence is currently insufficient to determine the role of this variant in disease. Therefore, it has been classified as a Variant of Uncertain Significance.